The following is an entry in ClinVar:

ClinVar aggregate classification (germline): Uncertain significance (1 of 4 stars; one submission).

Conditions:
Hereditary cancer-predisposing syndrome. Also called: Neoplastic Syndromes, Hereditary; Tumor predisposition; Hereditary Cancer Syndrome; Hereditary neoplastic syndrome. Identifiers: Orphanet 140162, MedGen C0027672, MeSH D009386, MONDO:0015356.

Submission:

Color Diagnostics, LLC DBA Color Health
Classification: Uncertain significance for Hereditary cancer-predisposing syndrome. Last evaluated: 2024-03-07. Review status: criteria provided, single submitter. Criteria: ACMG Guidelines, 2015. Collection method: clinical testing. Allele origin: germline.
Comment: This missense variant replaces lysine with asparagine at codon 1245 of the APC protein. Computational prediction tool suggests that this variant may not impact protein structure and function. Splice site prediction tools suggest that this variant may not impact RNA splicing. To our knowledge, functional studies have not been performed for this variant. This variant has not been reported in individuals affected with hereditary cancer in the literature. This variant has not been identified in the general population by the Genome Aggregation Database (gnomAD). The available evidence is insufficient to determine the role of this variant in disease conclusively. Therefore, this variant is classified as a Variant of Uncertain Significance.

NM_000038.6(APC):c.3735G>C (p.Lys1245Asn)

Gene: APC (APC regulator of Wnt signaling pathway; plus strand). Cytogenetic location: 5q22.2.
Variant type: single nucleotide variant.
Coding change: c.3735G>C on transcript NM_000038.6 (MANE Select); coding-DNA position 3735, G replaced by C.
Protein change: p.Lys1245Asn; replaces lysine 1245 with asparagine.
Molecular consequence: missense variant.
Genome position (GRCh38, 1-based): chr5:112,839,329, G>C. VCF-style: chr5-112839329-G-C. GRCh37 (hg19) VCF-style: chr5-112175026-G-C.
Other names: c.3735G>C, p.Lys1245Asn (NM_001127510.3, NM_001354895.2); c.3681G>C, p.Lys1227Asn (NM_001127511.3); c.3789G>C, p.Lys1263Asn (NM_001354896.2); c.3765G>C, p.Lys1255Asn (NM_001354897.2); c.3660G>C, p.Lys1220Asn (NM_001354898.2); c.3651G>C, p.Lys1217Asn (NM_001354899.2); c.3612G>C, p.Lys1204Asn (NM_001354900.2); c.3558G>C, p.Lys1186Asn (NM_001354901.2); and 5 more; short protein forms K1119N, K1255N, K1263N, K1085N, K1144N, K1154N, K1227N, K1186N.
Identifiers: ClinVar variation 926764 (VCV000926764.4), dbSNP rs1765505976, ClinGen allele CA16029529.